The following is an entry in ClinVar:

NM_001165963.4(SCN1A):c.2527A>G (p.Ser843Gly)

Gene: SCN1A (sodium voltage-gated channel alpha subunit 1; minus strand). Cytogenetic location: 2q24.3.
Variant type: single nucleotide variant.
Coding change: c.2527A>G on transcript NM_001165963.4 (MANE Select); coding-DNA position 2527, A replaced by G.
Protein change: p.Ser843Gly; replaces serine 843 with glycine.
Molecular consequence: missense variant. On other transcripts: non-coding transcript variant (1).
Genome position (GRCh38, 1-based): chr2:166,039,485, T>C on the plus strand (A>G on the coding strand, the complement: SCN1A is on the minus strand). VCF-style: chr2-166039485-T-C. GRCh37 (hg19) VCF-style: chr2-166895995-T-C.
Other names: c.2443A>G, p.Ser815Gly (NM_001165964.3, NM_001353957.2, NM_001353958.2); c.2527A>G, p.Ser843Gly (NM_001202435.3, NM_001353948.2); c.2494A>G, p.Ser832Gly (NM_001353949.2, NM_001353950.2, NM_001353951.2 and 2 more transcripts); c.2491A>G, p.Ser831Gly (NM_001353954.2, NM_001353955.2); c.2440A>G, p.Ser814Gly (NM_001353960.2); c.85A>G, p.Ser29Gly (NM_001353961.2); short protein forms S29G, S814G, S815G, S831G, S832G, S843G.
Identifiers: ClinVar variation 4800279 (VCV004800279.1).

ClinVar aggregate classification (germline): Likely pathogenic (1 of 4 stars; one submission).

Conditions:
Early-infantile DEE. Also called: Early infantile epileptic encephalopathy with suppression bursts; Early infantile epileptic encephalopathy; Ohtahara syndrome. Identifiers: Orphanet 1934, MedGen C0393706, MONDO:0800491.

Submission:

Labcorp Genetics (formerly Invitae), Labcorp
Classification: Likely pathogenic for Early-infantile DEE. Last evaluated: 2025-05-27. Review status: criteria provided, single submitter. Criteria: Invitae Variant Classification Sherloc (09022015). Collection method: clinical testing. Allele origin: germline.
Comment: This sequence change replaces serine, which is neutral and polar, with glycine, which is neutral and non-polar, at codon 843 of the SCN1A protein (p.Ser843Gly). This variant is not present in population databases (gnomAD no frequency). This variant has not been reported in the literature in individuals affected with SCN1A-related conditions. Invitae Evidence Modeling of protein sequence and biophysical properties (such as structural, functional, and spatial information, amino acid conservation, physicochemical variation, residue mobility, and thermodynamic stability) indicates that this missense variant is expected to disrupt SCN1A protein function with a positive predictive value of 95%. This variant disrupts the p.Ser843 amino acid residue in SCN1A. Other variant(s) that disrupt this residue have been determined to be pathogenic (PMID: 18930999). This suggests that this residue is clinically significant, and that variants that disrupt this residue are likely to be disease-causing. In summary, the currently available evidence indicates that the variant is pathogenic, but additional data are needed to prove that conclusively. Therefore, this variant has been classified as Likely Pathogenic.

Literature cited by the submitters: PubMed 18930999.